The following is an entry in ClinVar:

ClinVar aggregate classification (germline): Likely benign. Review status: criteria provided, multiple submitters, no conflicts (2 of 4 stars). 4 submissions from 4 submitters: Likely benign (4). Last evaluated 2025-12-03.

Conditions:
DRAM2-related disorder. Also called: DRAM2-related condition.

Allele frequency attached by ClinVar (database versions not stated): gnomAD 0.00004 and 0.00005; ExAC 0.00007; TOPMed 0.00007; gnomAD exomes 0.00009 and 0.00020; ESP Exome Variant Server 0.00015.
gnomAD v4.1: 291 of 1,613,366 alleles (0.018%); highest among the groups gnomAD compares: Non-Finnish European, 0.024%; no homozygotes.

Submissions (4):

Labcorp Genetics (formerly Invitae), Labcorp
Classification: Likely benign. Last evaluated: 2025-12-03. Review status: criteria provided, single submitter. Criteria: Invitae Variant Classification Sherloc (09022015). Collection method: clinical testing. Allele origin: germline.

PreventionGenetics, part of Exact Sciences
Classification: Likely benign for DRAM2-related condition. Last evaluated: 2025-06-18. Review status: criteria provided, single submitter. Criteria: ACMG Guidelines, 2015. Collection method: clinical testing. Allele origin: germline.
Comment: This variant is classified as likely benign based on ACMG/AMP sequence variant interpretation guidelines (Richards et al. 2015 PMID: 25741868, with internal and published modifications).

Blueprint Genetics
Classification: Likely benign. Last evaluated: 2024-03-13. Review status: criteria provided, single submitter. Criteria: ACMG Guidelines, 2015. Collection method: clinical testing. Allele origin: germline.

Breakthrough Genomics
Classification: Likely benign. Review status: criteria provided, single submitter. Criteria: ACMG Guidelines, 2015. Collection method: not provided. Allele origin: germline. Inheritance: Autosomal recessive inheritance. Affected: yes.

NM_001349884.2(DRAM2):c.318T>C (p.Leu106=)

Gene: DRAM2 (DNA damage regulated autophagy modulator 2; minus strand). Cytogenetic location: 1p13.3.
Variant type: single nucleotide variant.
Coding change: c.318T>C on transcript NM_001349884.2 (MANE Select); coding-DNA position 318, T replaced by C.
Protein change: p.Leu106=; no amino-acid change (leucine 106 retained).
Molecular consequence: synonymous variant. On other transcripts: intron variant (7), 5 prime UTR variant (1), non-coding transcript variant (3).
Genome position (GRCh38, 1-based): chr1:111,124,763, A>G on the plus strand (T>C on the coding strand, the complement: DRAM2 is on the minus strand). VCF-style: chr1-111124763-A-G. GRCh37 (hg19) VCF-style: chr1-111667385-A-G.
Other names: c.-52+1464T>C (NM_001349893.2, NM_001349889.2, NM_001349890.2 and 1 more transcripts); c.41+1464T>C (NM_001349888.2, NM_001349887.2, NM_001349886.2); c.318T>C, p.Leu106= (NM_001349882.2, NM_001349885.2, NM_178454.6 and 1 more transcripts); c.-101T>C (NM_001349891.2); c.318T>C (NM_178454.4).
Identifiers: ClinVar variation 1079576 (VCV001079576.12), dbSNP rs144646313, ClinGen allele CA1001873.